The following is an entry in ClinVar:

ClinVar aggregate classification (germline): Conflicting classifications of pathogenicity. Review status: criteria provided, conflicting classifications (1 of 4 stars). 15 submissions from 14 submitters: Uncertain significance (4); Likely benign (10). 1 of the submissions does not count toward it. Last evaluated 2026-08-05.

Conditions:
Cardiovascular phenotype. Identifiers: MedGen CN230736.
RYR2-related disorder. Also called: RYR2-related condition.
Cardiomyopathy (CMYO). Also called: Cardiomyopathies. Identifiers: Orphanet 167848, MedGen C0878544, MONDO:0004994, HP:0001638. Inheritance: Various modes of inheritance.
Arrhythmogenic right ventricular cardiomyopathy (ARVD). Also called: Arrhythmogenic cardiomyopathy; Cardiomyopathy, ARVC; Arrhythmogenic right ventricular dysplasia; Arrhythmogenic Right Ventricular Cardiomyopathy (ARVC). Identifiers: Orphanet 247, MedGen C0349788, MeSH D019571, MONDO:0016587. Disease mechanism: loss of function. Inheritance: Various modes of inheritance.
Catecholaminergic polymorphic ventricular tachycardia 1. Also called: VENTRICULAR TACHYCARDIA, CATECHOLAMINERGIC POLYMORPHIC, 1, WITH OR WITHOUT ATRIAL DYSFUNCTION AND/OR DILATED CARDIOMYOPATHY; RYR2-Related Catecholaminergic Polymorphic Ventricular Tachycardia; VENTRICULAR TACHYCARDIA, STRESS-INDUCED POLYMORPHIC 1. Identifiers: Orphanet 3286, MedGen C1631597, MONDO:0011484, OMIM 604772.
Arrhythmogenic right ventricular dysplasia 2. Identifiers: MedGen C1832931.

Allele frequency attached by ClinVar (database versions not stated): TOPMed 0.00011; gnomAD 0.00017 and 0.00018; 1000 Genomes Project 0.00040; 1000 Genomes Project 30x 0.00062.
gnomAD v4.1: 182 of 1,614,016 alleles (0.011%); highest among the groups gnomAD compares: Middle Eastern, 0.31%; no homozygotes.

Submissions (15):

GeneDx
Classification: Uncertain significance. Last evaluated: 2026-08-05. Review status: criteria provided, single submitter. Criteria: GeneDx Variant Classification Process June 2021. Collection method: clinical testing. Allele origin: germline.
Comment: Not located in one of the three hot-spot regions of the RYR2 gene, where the majority of pathogenic missense variants occur (PMID: 19926015); In silico analysis supports that this missense variant has a deleterious effect on protein structure/function; Reported in association with HCM, ACM, ARVC, and sudden unexplained cardiac arrest/death, with some patients harboring additional cardiogenetic variants (PMID: 24981977, 25351510, 26189708, 35819174, 32152366, 28771489, 37510372); This variant is associated with the following publications: (PMID: 26189708, 25351510, 26899768, 28404607, 24981977, 19926015, 35819174, 32152366, 28771489, 37510372)

Labcorp Genetics (formerly Invitae), Labcorp
Classification: Likely benign for Catecholaminergic polymorphic ventricular tachycardia 1. Last evaluated: 2026-01-12. Review status: criteria provided, single submitter. Criteria: Invitae Variant Classification Sherloc (09022015). Collection method: clinical testing. Allele origin: germline.

Molecular Diagnostic Laboratory for Inherited Cardiovascular Disease, Montreal Heart Institute
Classification: Likely benign. Last evaluated: 2025-04-09. Review status: criteria provided, single submitter. Criteria: ACMG Guidelines, 2015. Collection method: clinical testing. Allele origin: germline. Affected: no.
Comment: PP2, BS1, BP5

Ambry Genetics
Classification: Likely benign for Cardiovascular phenotype. Last evaluated: 2025-03-07. Review status: criteria provided, single submitter. Criteria: Ambry Variant Classification Scheme 2023. Collection method: clinical testing. Allele origin: germline.

Women's Health and Genetics/Laboratory Corporation of America, LabCorp
Classification: Likely benign. Last evaluated: 2024-11-12. Review status: criteria provided, single submitter. Criteria: LabCorp Variant Classification Summary - May 2015. Collection method: clinical testing. Allele origin: germline.
Comment: Variant summary: RYR2 c.5294C>G (p.Ser1765Cys) results in a non-conservative amino acid change located in the Ryanodine receptor junctional solenoid repeat domain (IPR048581) of the encoded protein sequence. Three of five in-silico tools predict a damaging effect of the variant on protein function. The variant allele was found at a frequency of 0.00018 in 248986 control chromosomes. The observed variant frequency is approximately 5.3-fold of the estimated maximal expected allele frequency for a pathogenic variant in RYR2 causing Catecholaminergic Polymorphic Ventricular Tachycardia phenotype (3.4e-05). c.5294C>G has been reported in the literature in settings of multi-gene panel testing in individuals affected with sudden cardiac death, unexplained cardiac arrest with catecholaminergic polymorphic ventricular tachycardia, hypertrophic cardiomyopathy, arrhythmogenic cardiomyopathy, hot-phase cardiomyopathy, often in the presence of other variants classified as VUS, in all cases without evidence of causality (e.g. Brion_2014, Jimenez-Jaimez_2015, Mademont-Soler_2017, Goudal_2022, Bassetto_2024). These reports do not provide unequivocal conclusions about association of the variant with Catecholaminergic Polymorphic Ventricular Tachycardia. Co-occurrences with other pathogenic variants have been reported including an individual affected with dilated cardiomyopathy (FLNC c.5669-1delG) (e.g. Begay_2016) and an individual affected with arrhythmogenic cardiomyopathy (PKP2 c.775_776insG, p.Glu259Glyfs*77) with the variant not segregating with disease in at least one affected family member (e.g. Robles-Mezcua_2023), providing supporting evidence for a benign role. To our knowledge, no experimental evidence demonstrating an impact on protein function has been reported. The following publications have been ascertained in the context of this evaluation (PMID: 38414301, 28008423, 24981977, 35819174, 26189708, 28771489, 37510372). ClinVar contains an entry for this variant (Variation ID: 404210). Based on the evidence outlined above, the variant was classified as likely benign.

Blueprint Genetics
Classification: Likely benign. Last evaluated: 2024-10-04. Review status: criteria provided, single submitter. Criteria: ACMG Guidelines, 2015. Collection method: clinical testing. Allele origin: germline.

ARUP Laboratories, Molecular Genetics and Genomics, ARUP Laboratories
Classification: Likely benign. Last evaluated: 2024-06-27. Review status: criteria provided, single submitter. Criteria: ARUP Molecular Germline Variant Investigation Process 2024. Collection method: clinical testing. Allele origin: germline.

Molecular Genetics Laboratory - Cardiogenetics, CHU de Nantes
Classification: Uncertain significance for Arrhythmogenic right ventricular cardiomyopathy. Last evaluated: 2022-06-01. Review status: criteria provided, single submitter. Criteria: ACMG Guidelines, 2015. Collection method: curation. Allele origin: germline. Affected: yes.

CHEO Genetics Diagnostic Laboratory, Children's Hospital of Eastern Ontario
Classification: Likely benign for Cardiomyopathy. Last evaluated: 2021-04-28. Review status: criteria provided, single submitter. Criteria: ACMG Guidelines, 2015. Collection method: clinical testing. Allele origin: germline. Study: Canadian Open Genetics Repository.

Revvity Omics, Revvity
Classification: Uncertain significance. Last evaluated: 2019-10-29. Review status: criteria provided, single submitter. Criteria: ACMG Guidelines, 2015. Collection method: clinical testing. Allele origin: germline.

Color Diagnostics, LLC DBA Color Health
Classification: Likely benign for Cardiomyopathy. Last evaluated: 2018-11-09. Review status: criteria provided, single submitter. Criteria: ACMG Guidelines, 2015. Collection method: clinical testing. Allele origin: germline.

Illumina Laboratory Services, Illumina
Classification: Uncertain significance for Catecholaminergic polymorphic ventricular tachycardia 1. Last evaluated: 2018-09-26. Review status: criteria provided, single submitter. Criteria: ICSL Variant Classification Criteria 13 December 2019. Collection method: clinical testing. Allele origin: germline.
Comment: This variant was observed as part of a predisposition screen in an ostensibly healthy population. A literature search was performed for the gene, cDNA change, and amino acid change (where applicable). Publications were found based on this search. However, the evidence from the literature, in combination with allele frequency data from public databases where available, was not sufficient to rule this variant in or out of causing disease. Therefore, this variant is classified as a variant of unknown significance.

Illumina Laboratory Services, Illumina
Classification: Likely benign for Catecholaminergic polymorphic ventricular tachycardia 1. Last evaluated: 2018-09-26. Review status: criteria provided, single submitter. Criteria: ICSL Variant Classification Criteria 13 December 2019. Collection method: clinical testing. Allele origin: germline.
Comment: This variant was observed as part of a predisposition screen in an ostensibly healthy population. A literature search was performed for the gene, cDNA change, and amino acid change (where applicable). Publications were found based on this search. The evidence from the literature, in combination with allele frequency data from public databases where available, was sufficient to determine this variant is unlikely to cause disease. Therefore, this variant is classified as likely benign.

Center for Advanced Laboratory Medicine, UC San Diego Health, University of California San Diego
Classification: Likely benign for Arrhythmogenic right ventricular cardiomyopathy. Last evaluated: 2017-02-02. Review status: criteria provided, single submitter. Criteria: ACMG Guidelines, 2015. Collection method: clinical testing. Allele origin: germline. Affected: yes. Observed: 1 variant allele.

PreventionGenetics, part of Exact Sciences
Classification: Likely benign for RYR2-related condition. Last evaluated: 2023-09-20. Review status: no assertion criteria provided. Collection method: clinical testing. Allele origin: germline. Not counted in ClinVar's aggregate classification.
Comment: This variant is classified as likely benign based on ACMG/AMP sequence variant interpretation guidelines (Richards et al. 2015 PMID: 25741868, with internal and published modifications).

Literature cited by the submitters: PubMed 24981977 (cited by 3 submitters); PubMed 25351510 (cited by Ambry Genetics); PubMed 26189708 (cited by 3 submitters); PubMed 28404607 (cited by Ambry Genetics and Women's Health and Genetics/Laboratory Corporation of America, LabCorp); PubMed 28771489 (cited by Ambry Genetics and Women's Health and Genetics/Laboratory Corporation of America, LabCorp); PubMed 37510372 (cited by Ambry Genetics and Women's Health and Genetics/Laboratory Corporation of America, LabCorp); PubMed 32152366 (cited by Women's Health and Genetics/Laboratory Corporation of America, LabCorp); PubMed 35819174 (cited by Women's Health and Genetics/Laboratory Corporation of America, LabCorp); PubMed 28008423 (cited by Women's Health and Genetics/Laboratory Corporation of America, LabCorp); PubMed 38414301 (cited by Women's Health and Genetics/Laboratory Corporation of America, LabCorp).

NM_001035.3(RYR2):c.5294C>G (p.Ser1765Cys)

Gene: RYR2 (ryanodine receptor 2; plus strand). Cytogenetic location: 1q43.
Variant type: single nucleotide variant.
Coding change: c.5294C>G on transcript NM_001035.3 (MANE Select); coding-DNA position 5294, C replaced by G.
Protein change: p.Ser1765Cys; replaces serine 1765 with cysteine.
Molecular consequence: missense variant.
Genome position (GRCh38, 1-based): chr1:237,614,422, C>G. VCF-style: chr1-237614422-C-G. GRCh37 (hg19) VCF-style: chr1-237777722-C-G.
Other names: c.5294C>G, p.Ser1765Cys (LRG_402t1); short protein forms S1765C.
Identifiers: ClinVar variation 404210 (VCV000404210.48), dbSNP rs564806219, ClinGen allele CA086866.